The following is an entry in ClinVar:

ClinVar aggregate classification (germline): Uncertain significance (1 of 4 stars; one submission).

Conditions:
Hereditary cancer-predisposing syndrome. Also called: Neoplastic Syndromes, Hereditary; Tumor predisposition; Hereditary neoplastic syndrome; Hereditary Cancer Syndrome. Identifiers: Orphanet 140162, MedGen C0027672, MeSH D009386, MONDO:0015356.

Submission:

Ambry Genetics
Classification: Uncertain significance for Hereditary cancer-predisposing syndrome. Last evaluated: 2026-07-06. Review status: criteria provided, single submitter. Criteria: Ambry Variant Classification Scheme 2023. Collection method: clinical testing. Allele origin: germline.
Comment: The p.K617Q variant (also known as c.1849A>C), located in coding exon 13 of the MSH3 gene, results from an A to C substitution at nucleotide position 1849. The lysine at codon 617 is replaced by glutamine, an amino acid with similar properties. This amino acid position is conserved. In addition, the in silico prediction for this alteration is inconclusive. Based on the available evidence, the clinical significance of this variant remains unclear.

NM_002439.5(MSH3):c.1849A>C (p.Lys617Gln)

Gene: MSH3 (mutS homolog 3; plus strand). Cytogenetic location: 5q14.1.
Variant type: single nucleotide variant.
Coding change: c.1849A>C on transcript NM_002439.5 (MANE Select); coding-DNA position 1849, A replaced by C.
Protein change: p.Lys617Gln; replaces lysine 617 with glutamine.
Molecular consequence: missense variant.
Genome position (GRCh38, 1-based): chr5:80,761,631, A>C. VCF-style: chr5-80761631-A-C. GRCh37 (hg19) VCF-style: chr5-80057450-A-C.
Other names: short protein forms K617Q.
Identifiers: ClinVar variation 5024765 (VCV005024765.1).